The following is an entry in ClinVar:

NM_006231.4(POLE):c.202C>T (p.Pro68Ser)

Gene: POLE (DNA polymerase epsilon, catalytic subunit; minus strand). Cytogenetic location: 12q24.33.
Variant type: single nucleotide variant.
Coding change: c.202C>T on transcript NM_006231.4 (MANE Select); coding-DNA position 202, C replaced by T.
Protein change: p.Pro68Ser; replaces proline 68 with serine.
Molecular consequence: missense variant.
Genome position (GRCh38, 1-based): chr12:132,681,140, G>A on the plus strand (C>T on the coding strand, the complement: POLE is on the minus strand). VCF-style: chr12-132681140-G-A. GRCh37 (hg19) VCF-style: chr12-133257726-G-A.
Other names: short protein forms P68S.
Identifiers: ClinVar variation 938467 (VCV000938467.9), dbSNP rs1408600144, ClinGen allele CA387369593.
Genomic context (GRCh38, chr12:132,681,140, plus strand): 5'-GCTATGACCAGAAGGGTTGCAGCCATATTCCTGGGTGGGAGAAGGACCTAGTGCTTACAG[G>A]ATGCATGTTAATGAGCCAGCCTGTCTTCTCACCAGGCTCCTTCAGCCGCTCAAAACCAAA-3'
Protein context (NP_006222.2, residues 58-78): EKTGWLINMH[Pro68Ser]TEILDEDKRL

ClinVar aggregate classification (germline): Uncertain significance (1 of 4 stars; one submission).

Submission:

Labcorp Genetics (formerly Invitae), Labcorp
Classification: Uncertain significance. Last evaluated: 2024-11-09. Review status: criteria provided, single submitter. Criteria: Invitae Variant Classification Sherloc (09022015). Collection method: clinical testing. Allele origin: germline.
Comment: This sequence change replaces proline, which is neutral and non-polar, with serine, which is neutral and polar, at codon 68 of the POLE protein (p.Pro68Ser). This variant is not present in population databases (gnomAD no frequency). This variant has not been reported in the literature in individuals affected with POLE-related conditions. ClinVar contains an entry for this variant (Variation ID: 938467). An algorithm developed to predict the effect of missense changes on protein structure and function (PolyPhen-2) suggests that this variant is likely to be tolerated. Algorithms developed to predict the effect of sequence changes on RNA splicing suggest that this variant may disrupt the consensus splice site. In summary, the available evidence is currently insufficient to determine the role of this variant in disease. Therefore, it has been classified as a Variant of Uncertain Significance.